The following is an entry in ClinVar:

ClinVar aggregate classification (germline): Pathogenic/Likely pathogenic. Review status: criteria provided, multiple submitters, no conflicts (2 of 4 stars). 31 submissions from 30 submitters: Pathogenic (23); Likely pathogenic (4). 4 of the submissions do not count toward it. Last evaluated 2026-08-06.

Conditions:
Orofaciodigital syndrome type 6 (OFD6). Also called: OROFACIODIGITAL SYNDROME VI; OFDS VI; POLYDACTYLY, CLEFT LIP/PALATE OR LINGUAL LUMP, AND PSYCHOMOTOR RETARDATION; VARADI SYNDROME; VARADI-PAPP SYNDROME; Oral-facial-digital syndrome type 6. Identifiers: MedGen C2745997, MONDO:0010176, OMIM 277170, Orphanet 2754.
Joubert syndrome 17 (JBTS17). Identifiers: Orphanet 475, MedGen C3553264, MONDO:0013824, OMIM 614615.
Inborn genetic diseases. Identifiers: MedGen C0950123, MeSH D030342.
Nephronophthisis. Also called: Juvenile Nephronophthisis. Identifiers: Orphanet 655, MedGen C0687120, MONDO:0019005, HP:0000090.
Joubert syndrome and related disorders. Identifiers: Orphanet 140874, MedGen C5679612, MONDO:0015369.
C5ORF42 & CPLANE1-related disorders.
CPLANE1-related disorder. Also called: CPLANE1-related condition.
Focal segmental glomerulosclerosis (FSGS). Also called: Glomerulosclerosis, focal; Focal sclerosis with hyalinosis. Identifiers: MedGen C0017668, MONDO:0100313, HP:0000097. Disease mechanism: loss of function.
Global developmental delay (DD). Also called: Cognitive delay. Identifiers: MedGen C0557874, HP:0001263. Disease mechanism: loss of function.
Jaundice. Identifiers: MedGen C0022346, HP:0000952.

Submissions 1 to 13 of 31:

OLLIN Analises Genomicas, OLLIN
Classification: Pathogenic for Joubert syndrome 17. Last evaluated: 2026-08-06. Review status: criteria provided, single submitter. Criteria: ACMG Guidelines 2015 PMID 25741868. Collection method: clinical testing. Allele origin: germline. Inheritance: Autosomal recessive inheritance.
Comment: This frameshift variant, located in exon 12 (of 53), has been reported in ClinVar (accession VCV000217590.83), in gnomAD with an allele frequency of 0.018%, and in the scientific literature, in compound heterozygosity, in individuals with CPLANE1 related disorders (PMID: 26092869). This variant causes a frameshift and introduces a premature stop codon, which is predicted to result in either a truncated protein or degradation of the mRNA via nonsense-mediated decay (NMD). According to the currently available evidence, this variant has been classified as pathogenic (PVS1, PM2_P, PM3_S).

GeneDx
Classification: Pathogenic. Last evaluated: 2026-07-18. Review status: criteria provided, single submitter. Criteria: GeneDx Variant Classification Process June 2021. Collection method: clinical testing. Allele origin: germline.
Comment: Frameshift variant predicted to result in protein truncation or nonsense mediated decay in a gene for which loss of function is a known mechanism of disease; This variant is associated with the following publications: (PMID: 28125082, 34313030, Shelby[2022]casereport, 36550190, 38351681, 40448720, 39999070, 34008892, 26092869)

CeGaT Center for Human Genetics Tuebingen
Classification: Pathogenic. Last evaluated: 2026-05-01. Review status: criteria provided, single submitter. Criteria: CeGaT Center For Human Genetics Tuebingen Variant Classification Criteria Version 2. Collection method: clinical testing. Allele origin: germline. Affected: yes. Observed: 5 variant alleles.
Comment: CPLANE1: PVS1, PM2, PM3

Service of Pediatric Gastrohepatology and Metabolic Diseases, University of Medicine of Tirana
Classification: Likely pathogenic for Joubert syndrome 17. Last evaluated: 2026-04-29. Review status: criteria provided, single submitter. Criteria: ACMG Guidelines, 2015. Collection method: clinical testing. Allele origin: germline. Inheritance: Autosomal recessive inheritance. Affected: yes. Observed: 1 variant allele.
Comment: CPLANE1 c.1819del was classified as Likely pathogenic using ACMG/AMP 2015 criteria (PMID:25741868). The deletion is predicted to cause a frameshift/loss-of-function effect in CPLANE1, supporting PVS1 where loss of function is an established disease mechanism, with PM2 for rarity/absence in population databases when reviewed and PP4 for phenotype consistency with Joubert syndrome 17 (OMIM:614615).

Molecular Lab, University of Sulaimaniyah
Classification: Pathogenic for Focal segmental glomerulosclerosis. Last evaluated: 2026-03-12. Review status: criteria provided, single submitter. Criteria: ACMG Guidelines, 2015. Collection method: clinical testing. Allele origin: germline. Inheritance: Autosomal recessive inheritance. Affected: yes. Observed: 3 variant alleles, 3 homozygotes.
Comment: This variant was classified using the ACMG/AMP 2015 framework (PMID:25741868). PVS1 was applied because CPLANE1 c.1819delT is a predicted loss-of-function frameshift variant expected to create a premature termination codon in a recessive ciliopathy-associated gene for which loss of function is an established disease mechanism. As additional case-level support in our dataset, the variant was recurrently observed in 3 homozygous affected individuals from an adult biopsy-proven focal segmental glomerulosclerosis cohort (35 individuals tested), and the genotype pattern is consistent with a recessive disease mechanism. The submitted classification reflects this combination of variant type, gene-disease mechanism, and internal observation data. Overall, the weight of evidence supported a Pathogenic classification.

Dasa
Classification: Pathogenic. Last evaluated: 2026-02-19. Review status: criteria provided, single submitter. Criteria: DASA Assertion Criteria. Collection method: clinical testing. Allele origin: germline.
Comment: NM_001384732.1(CPLANE1):c.1819del (p.Tyr607Thrfs*6) introduces a premature termination codon predicted to result in loss of normal protein function. Loss-of-function is an established mechanism of disease for this gene. This variant has been recurrently observed in individuals with related phenotype (PMID: 28125082; PMID: 26092869). The variant is present at low frequency in population datasets. Based on the available data, this variant is classified as pathogenic.

Clinical Genetics and Genomics, Karolinska University Hospital
Classification: Pathogenic for Joubert syndrome 17. Last evaluated: 2026-02-05. Review status: criteria provided, single submitter. Criteria: ACMG Guidelines, 2015. Collection method: clinical testing. Allele origin: germline. Inheritance: Autosomal recessive inheritance. Affected: yes.

Labcorp Genetics (formerly Invitae), Labcorp
Classification: Pathogenic. Last evaluated: 2026-01-31. Review status: criteria provided, single submitter. Criteria: Invitae Variant Classification Sherloc (09022015). Collection method: clinical testing. Allele origin: germline.
Comment: This sequence change creates a premature translational stop signal (p.Tyr607Thrfs*6) in the CPLANE1 gene. It is expected to result in an absent or disrupted protein product. Loss-of-function variants in CPLANE1 are known to be pathogenic (PMID: 24178751, 26092869). The frequency data for this variant in the population databases is considered unreliable, as metrics indicate poor data quality at this position in the gnomAD database. This premature translational stop signal has been observed in individuals with Joubert syndrome (PMID: 26092869, 28125082). ClinVar contains an entry for this variant (Variation ID: 217590). For these reasons, this variant has been classified as Pathogenic.

Women's Health and Genetics/Laboratory Corporation of America, LabCorp
Classification: Pathogenic for Joubert syndrome and related disorders. Last evaluated: 2025-12-26. Review status: criteria provided, single submitter. Criteria: LabCorp Variant Classification Summary - May 2015. Collection method: clinical testing. Allele origin: germline.
Comment: Variant summary: CPLANE1 c.1819delT (p.Tyr607ThrfsX6) results in a premature termination codon, predicted to cause a truncation of the encoded protein or absence of the protein due to nonsense mediated decay, which are commonly known mechanisms for disease. The variant allele was found at a frequency of 0.00016 in 142536 control chromosomes. This frequency is not significantly higher than estimated for disease-causing variants in CPLANE1, allowing no conclusion about variant significance. c.1819delT has been observed in individual(s) affected with Joubert Syndrome And Related Disorders (e.g. Bachmann-Gagescu_2015, Vilboux_2017). To our knowledge, no experimental evidence demonstrating an impact on protein function has been reported. The following publications have been ascertained in the context of this evaluation (PMID: 26092869, 28125082). ClinVar contains an entry for this variant (Variation ID: 217590). Based on the evidence outlined above, the variant was classified as pathogenic.

3billion
Classification: Pathogenic for Orofaciodigital syndrome type 6. Last evaluated: 2025-12-10. Review status: criteria provided, single submitter. Criteria: ACMG Guidelines, 2015. Collection method: clinical testing. Allele origin: germline. Affected: yes.
Comment: The variant is observed at an extremely low frequency in the gnomAD v4.1.0 dataset (total allele frequency: 0.018%). Predicted Consequence/Location: Frameshift: predicted to result in a loss or disruption of normal protein function through nonsense-mediated decay (NMD) or protein truncation. Multiple pathogenic variants are reported downstream of the variant. The variant has been reported at least twice as pathogenic with clinical assertions and evidence for the classification (ClinVar ID: VCV000217590 /PMID: 26092869 /3billion dataset). Therefore, this variant is classified as Pathogenic according to the recommendation of ACMG/AMP guideline.

Clinical Genetics Laboratory, University Hospital Schleswig-Holstein
Classification: Pathogenic for Joubert syndrome 17. Last evaluated: 2025-10-17. Review status: criteria provided, single submitter. Criteria: ACMG Guidelines, 2015. Collection method: clinical testing. Allele origin: germline. Affected: yes. Observed: 1 heterozygote.
Comment: ACMG criteria applied: PM2, PM3_Strong, BP2, PVS1

Gharavi Laboratory, Columbia University
Classification: Likely pathogenic for Joubert syndrome 17. Last evaluated: 2024-11-05. Review status: criteria provided, single submitter. Criteria: ACMG Guidelines, 2015. Collection method: case-control. Allele origin: germline. Affected: yes.
Comment: Compound heterozygote variant with NM_023073.4:c.7817T>A

ENST00000274258

Revvity Omics, Revvity
Classification: Pathogenic. Last evaluated: 2024-09-25. Review status: criteria provided, single submitter. Criteria: ACMG Guidelines, 2015. Collection method: clinical testing. Allele origin: germline.

NM_001384732.1(CPLANE1):c.1819del (p.Tyr607fs)

Gene: CPLANE1 (ciliogenesis and planar polarity effector complex subunit 1; minus strand). Cytogenetic location: 5p13.2.
Variant type: Deletion.
Coding change: c.1819del on transcript NM_001384732.1 (MANE Select); coding-DNA position 1819, one base deleted (T; older notation c.1819delT).
Protein change: p.Tyr607fs; shifts the reading frame from tyrosine 607.
Molecular consequence: frameshift variant.
Genome position (GRCh38, 1-based): chr5:37,226,776, A deleted on the plus strand (T on the coding strand, the reverse complement: CPLANE1 is on the minus strand); the first of 8 consecutive A bases (chr5:37,226,776-37,226,783); deleting any one gives the same sequence. VCF-style (leftmost placement, unchanged base first): chr5-37226775-TA-T. GRCh37 (hg19) VCF-style: chr5-37226877-TA-T.
Other names: c.1819del, p.Tyr607fs (NM_023073.4); c.1819delT (NM_023073.3, NM_023073.4).
Identifiers: ClinVar variation 217590 (VCV000217590.87), dbSNP rs777686211, ClinGen allele CA277816.